The following is an entry in ClinVar:

ClinVar aggregate classification (germline): Uncertain significance. Review status: criteria provided, multiple submitters, no conflicts (2 of 4 stars). 4 submissions from 4 submitters: Uncertain significance (4). Last evaluated 2025-02-19.

Conditions:
Inborn genetic diseases. Identifiers: MedGen C0950123, MeSH D030342.

Allele frequency attached by ClinVar (database versions not stated): gnomAD exomes below 0.00001; TOPMed 0.00001.
gnomAD v4.1: 13 of 1,612,200 alleles (0.00081%); highest among the groups gnomAD compares: East Asian, 0.016%; no homozygotes.

Submissions (4):

Ambry Genetics
Classification: Uncertain significance for Inborn genetic diseases. Last evaluated: 2025-02-19. Review status: criteria provided, single submitter. Criteria: Ambry Variant Classification Scheme 2023. Collection method: clinical testing. Allele origin: germline.

Labcorp Genetics (formerly Invitae), Labcorp
Classification: Uncertain significance. Last evaluated: 2022-09-01. Review status: criteria provided, single submitter. Criteria: Invitae Variant Classification Sherloc (09022015). Collection method: clinical testing. Allele origin: germline.
Comment: This sequence change replaces proline, which is neutral and non-polar, with leucine, which is neutral and non-polar, at codon 108 of the PCDH15 protein (p.Pro108Leu). This variant is present in population databases (no rsID available, gnomAD 0.007%). This variant has not been reported in the literature in individuals affected with PCDH15-related conditions. ClinVar contains an entry for this variant (Variation ID: 1385973). Algorithms developed to predict the effect of missense changes on protein structure and function are either unavailable or do not agree on the potential impact of this missense change (SIFT: "Deleterious"; PolyPhen-2: "Probably Damaging"; Align-GVGD: "Class C0"). Algorithms developed to predict the effect of sequence changes on RNA splicing suggest that this variant may disrupt the consensus splice site. In summary, the available evidence is currently insufficient to determine the role of this variant in disease. Therefore, it has been classified as a Variant of Uncertain Significance.

GeneDx
Classification: Uncertain significance. Last evaluated: 2022-08-23. Review status: criteria provided, single submitter. Criteria: GeneDx Variant Classification Process June 2021. Collection method: clinical testing. Allele origin: germline. Affected: yes.
Comment: Not observed at significant frequency in large population cohorts (gnomAD); In silico analysis supports that this missense variant has a deleterious effect on protein structure/function and splicing; Has not been previously published as pathogenic or benign to our knowledge

Blueprint Genetics
Classification: Uncertain significance. Last evaluated: 2020-12-10. Review status: criteria provided, single submitter. Criteria: ACMG Guidelines, 2015. Collection method: clinical testing. Allele origin: germline.

NM_001384140.1(PCDH15):c.323C>T (p.Pro108Leu)

Gene: PCDH15 (protocadherin related 15; minus strand). Cytogenetic location: 10q21.1.
Variant type: single nucleotide variant.
Coding change: c.323C>T on transcript NM_001384140.1 (MANE Select); coding-DNA position 323, C replaced by T.
Protein change: p.Pro108Leu; replaces proline 108 with leucine.
Molecular consequence: missense variant.
Genome position (GRCh38, 1-based): chr10:54,369,271, G>A on the plus strand (C>T on the coding strand, the complement: PCDH15 is on the minus strand). VCF-style: chr10-54369271-G-A. GRCh37 (hg19) VCF-style: chr10-56129031-G-A.
Other names: c.338C>T, p.Pro113Leu (NM_001142763.2, NM_001142769.4, NM_001142771.2); c.323C>T, p.Pro108Leu (NM_001142764.2, NM_001142765.2, NM_001142766.2 and 8 more transcripts); c.257C>T, p.Pro86Leu (NM_001142768.2, NM_001142773.2, NM_001354404.2); short protein forms P108L, P86L, P113L.
Identifiers: ClinVar variation 1385973 (VCV001385973.7), dbSNP rs1161238143, ClinGen allele CA376542393.